The following is an entry in ClinVar:

NM_000135.4(FANCA):c.660G>C (p.Gln220His)

Gene: FANCA (FA complementation group A; minus strand). Cytogenetic location: 16q24.3.
Variant type: single nucleotide variant.
Coding change: c.660G>C on transcript NM_000135.4 (MANE Select); coding-DNA position 660, G replaced by C.
Protein change: p.Gln220His; replaces glutamine 220 with histidine.
Molecular consequence: missense variant.
Genome position (GRCh38, 1-based): chr16:89,805,329, C>G on the plus strand (G>C on the coding strand, the complement: FANCA is on the minus strand). VCF-style: chr16-89805329-C-G. GRCh37 (hg19) VCF-style: chr16-89871737-C-G.
Other names: c.660G>C, p.Gln220His (NM_001018112.3, NM_001286167.3); c.564G>C, p.Gln188His (NM_001351830.2); c.660G>C (LRG_495t1); short protein forms Q220H, Q188H.
Identifiers: ClinVar variation 456135 (VCV000456135.8), dbSNP rs1555571174, ClinGen allele CA397477933.

ClinVar aggregate classification (germline): Uncertain significance. Review status: criteria provided, multiple submitters, no conflicts (2 of 4 stars). 3 submissions from 3 submitters: Uncertain significance (3). Last evaluated 2025-01-02.

Conditions:
Inborn genetic diseases. Identifiers: MedGen C0950123, MeSH D030342.
Fanconi anemia (FA). Also called: Fanconi's anemia. Identifiers: Orphanet 84, MedGen C0015625, MeSH D005199, MONDO:0019391.
Fanconi anemia complementation group A (FANCA). Also called: Fanconi anemia, group A; FANCA-Related Fanconi Anemia. Identifiers: Orphanet 84, MedGen C3469521, MONDO:0009215, OMIM 227650.

Allele frequency attached by ClinVar (database versions not stated): gnomAD exomes below 0.00001; gnomAD 0.00001.
gnomAD v4.1: 5 of 1,614,094 alleles (0.00031%); highest among the groups gnomAD compares: South Asian, 0.0055%; no homozygotes.

Submissions (3):

Ambry Genetics
Classification: Uncertain significance for Inborn genetic diseases. Last evaluated: 2025-01-02. Review status: criteria provided, single submitter. Criteria: Ambry Variant Classification Scheme 2023. Collection method: clinical testing. Allele origin: germline.
Comment: The p.Q220H variant (also known as c.660G>C), located in coding exon 7 of the FANCA gene, results from a G to C substitution at nucleotide position 660. The glutamine at codon 220 is replaced by histidine, an amino acid with highly similar properties. This amino acid position is conserved. In addition, this alteration is predicted to be tolerated by in silico analysis. Based on the available evidence, the clinical significance of this variant remains unclear.

Fulgent Genetics
Classification: Uncertain significance for Fanconi anemia complementation group A. Last evaluated: 2024-02-28. Review status: criteria provided, single submitter. Criteria: ACMG Guidelines, 2015. Collection method: clinical testing. Allele origin: germline.

Labcorp Genetics (formerly Invitae), Labcorp
Classification: Uncertain significance for Fanconi anemia. Last evaluated: 2022-05-25. Review status: criteria provided, single submitter. Criteria: Invitae Variant Classification Sherloc (09022015). Collection method: clinical testing. Allele origin: germline.
Comment: This sequence change replaces glutamine, which is neutral and polar, with histidine, which is basic and polar, at codon 220 of the FANCA protein (p.Gln220His). This variant is not present in population databases (gnomAD no frequency). This variant has not been reported in the literature in individuals affected with FANCA-related conditions. ClinVar contains an entry for this variant (Variation ID: 456135). Advanced modeling of protein sequence and biophysical properties (such as structural, functional, and spatial information, amino acid conservation, physicochemical variation, residue mobility, and thermodynamic stability) performed at Invitae indicates that this missense variant is not expected to disrupt FANCA protein function. In summary, the available evidence is currently insufficient to determine the role of this variant in disease. Therefore, it has been classified as a Variant of Uncertain Significance.